The following is an entry in ClinVar:

NM_001384900.1(SEMA3D):c.379G>C (p.Glu127Gln)

Gene: SEMA3D (semaphorin 3D; minus strand). Cytogenetic location: 7q21.11.
Variant type: single nucleotide variant.
Coding change: c.379G>C on transcript NM_001384900.1 (MANE Select); coding-DNA position 379, G replaced by C.
Protein change: p.Glu127Gln; replaces glutamic acid 127 with glutamine.
Molecular consequence: missense variant.
Genome position (GRCh38, 1-based): chr7:85,073,078, C>G on the plus strand (G>C on the coding strand, the complement: SEMA3D is on the minus strand). VCF-style: chr7-85073078-C-G. GRCh37 (hg19) VCF-style: chr7-84702394-C-G.
Other names: c.379G>C, p.Glu127Gln (NM_001384901.1, NM_001384902.1, NM_001384903.1 and 1 more transcripts); short protein forms E127Q.
Identifiers: ClinVar variation 5001334 (VCV005001334.1).

ClinVar aggregate classification (germline): Uncertain significance (1 of 4 stars; one submission).

Conditions:
SEMA3D-related disorder. Also called: SEMA3D-related condition.

gnomAD v4.1: 7 of 1,612,144 alleles (0.00043%); highest among the groups gnomAD compares: Middle Eastern, 0.033%; no homozygotes.

Submission:

PreventionGenetics, part of Exact Sciences
Classification: Uncertain significance for SEMA3D-related condition. Last evaluated: 2025-10-31. Review status: criteria provided, single submitter. Criteria: ACMG Guidelines, 2015. Collection method: clinical testing. Allele origin: germline.
Comment: The SEMA3D c.379G>C variant is predicted to result in the amino acid substitution p.Glu127Gln. To our knowledge, this variant has not been reported in the literature or in a large population database (gnomAD), indicating this variant is rare. At this time, the clinical significance of this variant is uncertain due to the absence of conclusive functional and genetic evidence.